The following is an entry in ClinVar:

ClinVar aggregate classification (germline): Uncertain significance (1 of 4 stars; one submission).

Conditions:
Ehlers-Danlos syndrome, type 4 (EDSVASC). Also called: Ehlers-Danlos syndrome vascular type; Ehlers Danlos syndrome, ecchymotic type; Ehlers Danlos syndrome, arterial type; Ehlers Danlos syndrome, Sack-Barabas type; Ehlers-Danlos Syndrome Type IV. Identifiers: Orphanet 286, MedGen C0268338, MONDO:0017314, OMIM 130050.

Submission:

All of Us Research Program, National Institutes of Health
Classification: Uncertain significance for Ehlers-Danlos syndrome, type 4. Last evaluated: 2024-03-24. Review status: criteria provided, single submitter. Criteria: ACMG Guidelines, 2015. Collection method: clinical testing. Allele origin: germline. Inheritance: Autosomal dominant inheritance. Observed: 1 variant allele, 1 heterozygote.
Comment: This missense variant replaces glycine with aspartic acid at codon 1341 of the COL3A1 protein. Computational prediction tools indicate that this variant's impact on protein structure and function is inconclusive. To our knowledge, functional studies have not been reported for this variant. This variant has not been reported in individuals affected with COL3A1-related disorders in the literature. This variant has not been identified in the general population by the Genome Aggregation Database (gnomAD). The available evidence is insufficient to determine the role of this variant in disease conclusively. Therefore, this variant is classified as a Variant of Uncertain Significance.

This study involves interpretation of variants in research participants for the purpose of population health screening. Participant phenotype was not available at the time of variant classification. Additional details can be found in publication PMID: 35346344, PMCID: PMC8962531

NM_000090.4(COL3A1):c.4022G>A (p.Gly1341Asp)

Gene: COL3A1 (collagen type III alpha 1 chain; plus strand). Cytogenetic location: 2q32.2.
Variant type: single nucleotide variant.
Coding change: c.4022G>A on transcript NM_000090.4 (MANE Select); coding-DNA position 4022, G replaced by A.
Protein change: p.Gly1341Asp; replaces glycine 1341 with aspartic acid.
Molecular consequence: missense variant.
Genome position (GRCh38, 1-based): chr2:189,010,658, G>A. VCF-style: chr2-189010658-G-A. GRCh37 (hg19) VCF-style: chr2-189875384-G-A.
Other names: short protein forms G1341D.
Identifiers: ClinVar variation 3386501 (VCV003386501.1).